The following is an entry in ClinVar:

ClinVar aggregate classification (germline): Uncertain significance (1 of 4 stars; one submission).

Submission:

GeneDx
Classification: Uncertain significance. Last evaluated: 2025-05-15. Review status: criteria provided, single submitter. Criteria: GeneDx Variant Classification Process June 2021. Collection method: clinical testing. Allele origin: germline. Affected: yes.
Comment: Not observed at significant frequency in large population cohorts (gnomAD); In silico analysis supports that this missense variant has a deleterious effect on protein structure/function; Has not been previously published as pathogenic or benign to our knowledge

NM_000168.6(GLI3):c.26C>G (p.Thr9Arg)

Gene: GLI3 (GLI family zinc finger 3; minus strand). Cytogenetic location: 7p14.1.
Variant type: single nucleotide variant.
Coding change: c.26C>G on transcript NM_000168.6 (MANE Select); coding-DNA position 26, C replaced by G.
Protein change: p.Thr9Arg; replaces threonine 9 with arginine.
Molecular consequence: missense variant.
Genome position (GRCh38, 1-based): chr7:42,223,228, G>C on the plus strand (C>G on the coding strand, the complement: GLI3 is on the minus strand). VCF-style: chr7-42223228-G-C. GRCh37 (hg19) VCF-style: chr7-42262827-G-C.
Other names: short protein forms T9R.
Identifiers: ClinVar variation 4530007 (VCV004530007.1).